The following is an entry in ClinVar:

NC_000019.9:g.(?_746265)_(746814_?)dup

Gene: PALM (paralemmin; plus strand). Cytogenetic location: 19p13.3.
Variant type: Duplication.
Identifiers: ClinVar variation 2424487 (VCV002424487.4).

ClinVar aggregate classification (germline): Uncertain significance (1 of 4 stars; one submission).

Submission:

Labcorp Genetics (formerly Invitae), Labcorp
Classification: Uncertain significance. Last evaluated: 2023-10-13. Review status: criteria provided, single submitter. Criteria: Invitae Variant Classification Sherloc (09022015). Collection method: clinical testing. Allele origin: germline.
Comment: This variant results in a copy number gain of the genomic region encompassing exon(s) 9 of the PALM gene. This region includes the termination codon of the gene. This copy number gain extends beyond the assayed region for this gene and therefore may encompass additional genes. As the precise location of this event is unknown, it may be in tandem or it may be located elsewhere in the genome. This variant has not been reported in the literature in individuals affected with PALM-related conditions. In summary, the available evidence is currently insufficient to determine the role of this variant in disease. Therefore, it has been classified as a Variant of Uncertain Significance.